The following is an entry in ClinVar:

NM_005228.5(EGFR):c.3271+62C>G

Gene: EGFR (epidermal growth factor receptor; plus strand). Cytogenetic location: 7p11.2.
Variant type: single nucleotide variant.
Coding change: c.3271+62C>G on transcript NM_005228.5 (MANE Select); 62 bases into the intron after coding-DNA position 3271, C replaced by G.
Molecular consequence: intron variant. On other transcripts: synonymous variant (2).
Genome position (GRCh38, 1-based): chr7:55,202,687, C>G. VCF-style: chr7-55202687-C-G. GRCh37 (hg19) VCF-style: chr7-55270380-C-G.
Other names: c.3198C>G, p.Ala1066= (NM_001346897.2); c.3333C>G, p.Ala1111= (NM_001346898.2); c.3136+62C>G (NM_001346899.2); c.2470+62C>G (NM_001346941.2); c.3112+62C>G (NM_001346900.2).
Identifiers: ClinVar variation 3905791 (VCV003905791.10).

ClinVar aggregate classification (germline): Likely benign (1 of 4 stars; one submission).

gnomAD v4.1: 2 of 1,481,554 alleles (0.00013%); highest among the groups gnomAD compares: Non-Finnish European, 0.00019%; no homozygotes.

Submission:

CeGaT Center for Human Genetics Tuebingen
Classification: Likely benign. Last evaluated: 2025-05-01. Review status: criteria provided, single submitter. Criteria: CeGaT Center For Human Genetics Tuebingen Variant Classification Criteria Version 2. Collection method: clinical testing. Allele origin: germline. Affected: yes. Observed: 1 variant allele.
Comment: EGFR: BP4, BP7